The following is an entry in ClinVar:

ClinVar aggregate classification (germline): Uncertain significance (1 of 4 stars; one submission).

Conditions:
Dyskeratosis congenita. Identifiers: Orphanet 1775, MedGen C0265965, MONDO:0015780.

Submission:

Labcorp Genetics (formerly Invitae), Labcorp
Classification: Uncertain significance for Dyskeratosis congenita. Last evaluated: 2026-01-18. Review status: criteria provided, single submitter. Criteria: Invitae Variant Classification Sherloc (09022015). Collection method: clinical testing. Allele origin: germline.
Comment: This sequence change replaces tryptophan, which is neutral and slightly polar, with leucine, which is neutral and non-polar, at codon 781 of the CTC1 protein (p.Trp781Leu). This variant is present in population databases (rs747856079, gnomAD 0.01%). This variant has not been reported in the literature in individuals affected with CTC1-related conditions. Invitae Evidence Modeling of protein sequence and biophysical properties (such as structural, functional, and spatial information, amino acid conservation, physicochemical variation, residue mobility, and thermodynamic stability) indicates that this missense variant is expected to disrupt CTC1 protein function with a positive predictive value of 80%. In summary, the available evidence is currently insufficient to determine the role of this variant in disease. Therefore, it has been classified as a Variant of Uncertain Significance.

NM_025099.6(CTC1):c.2342G>T (p.Trp781Leu)

Gene: CTC1 (CST telomere replication complex component 1; minus strand). Cytogenetic location: 17p13.1.
Variant type: single nucleotide variant.
Coding change: c.2342G>T on transcript NM_025099.6 (MANE Select); coding-DNA position 2342, G replaced by T.
Protein change: p.Trp781Leu; replaces tryptophan 781 with leucine.
Molecular consequence: missense variant. On other transcripts: non-coding transcript variant (1).
Genome position (GRCh38, 1-based): chr17:8,231,946, C>A on the plus strand (G>T on the coding strand, the complement: CTC1 is on the minus strand). VCF-style: chr17-8231946-C-A. GRCh37 (hg19) VCF-style: chr17-8135264-C-A.
Other names: c.2342G>T, p.Trp781Leu (NM_001411067.1); short protein forms W781L.
Identifiers: ClinVar variation 4700306 (VCV004700306.1).